The following is an entry in ClinVar:

ClinVar aggregate classification (germline): Likely benign. Review status: criteria provided, multiple submitters, no conflicts (2 of 4 stars). 2 submissions from 2 submitters: Likely benign (2). Last evaluated 2018-01-12.

Conditions:
Behavior disorder. Also called: Behavioral disorder. Identifiers: MedGen C0004930.

Allele frequency attached by ClinVar (database versions not stated): 1000 Genomes Project 30x 0.01031; 1000 Genomes Project 0.01078; TOPMed 0.01578.

Submissions (2):

Illumina Laboratory Services, Illumina
Classification: Likely benign for Behavior disorder. Last evaluated: 2018-01-12. Review status: criteria provided, single submitter. Criteria: ICSL Variant Classification Criteria 13 December 2019. Collection method: clinical testing. Allele origin: germline.
Comment: This variant was observed in the ICSL laboratory as part of a predisposition screen in an ostensibly healthy population. It had not been previously curated by ICSL or reported in the Human Gene Mutation Database (HGMD: prior to June 1st, 2018), and was therefore a candidate for classification through an automated scoring system. Utilizing variant allele frequency, disease prevalence and penetrance estimates, and inheritance mode, an automated score was calculated to assess if this variant is too frequent to cause the disease. Based on the score and internal cut-off values, a variant classified as likely benign is not then subjected to further curation. The score for this variant resulted in a classification of likely benign for this disease.

Breakthrough Genomics
Classification: Likely benign. Review status: criteria provided, single submitter. Criteria: ACMG Guidelines, 2015. Collection method: not provided. Allele origin: germline. Inheritance: Autosomal dominant inheritance. Affected: yes.

NM_001045.6(SLC6A4):c.*3448G>C

Gene: SLC6A4 (solute carrier family 6 member 4; minus strand). Cytogenetic location: 17q11.2.
Variant type: single nucleotide variant.
Coding change: c.*3448G>C on transcript NM_001045.6 (MANE Select); 3448 bases downstream of the stop codon, G replaced by C.
Molecular consequence: 3 prime UTR variant.
Genome position (GRCh38, 1-based): chr17:30,195,008, C>G on the plus strand (G>C on the coding strand, the complement: SLC6A4 is on the minus strand). VCF-style: chr17-30195008-C-G. GRCh37 (hg19) VCF-style: chr17-28522026-C-G.
Identifiers: ClinVar variation 889814 (VCV000889814.5), dbSNP rs62068662, ClinGen allele CA289253600.